The following is an entry in ClinVar:

ClinVar aggregate classification (germline): Uncertain significance. Review status: criteria provided, multiple submitters, no conflicts (2 of 4 stars). 6 submissions from 6 submitters: Uncertain significance (6). Last evaluated 2026-09-15.

Conditions:
AHI1-related disorder. Also called: AHI1-related condition.
Inborn genetic diseases. Identifiers: MedGen C0950123, MeSH D030342.
Joubert syndrome 3 (JBTS3). Also called: AHI1-related Ciliopathy. Identifiers: Orphanet 220493, MedGen C1837713, MONDO:0012078, OMIM 608629.
Joubert syndrome. Also called: Familial aplasia of the vermis; JOUBERT-BOLTSHAUSER SYNDROME. Identifiers: Orphanet 475, MedGen C5979921, MONDO:0018772.

Allele frequency attached by ClinVar (database versions not stated): gnomAD 0.00002 and 0.00007; TOPMed 0.00003; gnomAD exomes 0.00004 and 0.00006; ExAC 0.00024; 1000 Genomes Project 0.00060; 1000 Genomes Project 30x 0.00062.
gnomAD v4.1: 64 of 1,562,624 alleles (0.0041%); highest among the groups gnomAD compares: East Asian, 0.035%; no homozygotes.

Submissions (6):

PreventionGenetics, part of Exact Sciences
Classification: Uncertain significance for AHI1-related condition. Last evaluated: 2026-09-15. Review status: criteria provided, single submitter. Criteria: ACMG Guidelines, 2015. Collection method: clinical testing. Allele origin: germline.
Comment: The AHI1 c.1405T>C variant is predicted to result in the amino acid substitution p.Cys469Arg. To our knowledge, this variant has not been reported in the literature. This variant is reported in 0.031% of alleles in individuals of East Asian descent in gnomAD. At this time, the clinical significance of this variant is uncertain due to the absence of conclusive functional and genetic evidence.

Ambry Genetics
Classification: Uncertain significance for Inborn genetic diseases. Last evaluated: 2025-08-29. Review status: criteria provided, single submitter. Criteria: Ambry Variant Classification Scheme 2023. Collection method: clinical testing. Allele origin: germline.

Fulgent Genetics
Classification: Uncertain significance for Joubert syndrome 3. Last evaluated: 2024-03-05. Review status: criteria provided, single submitter. Criteria: ACMG Guidelines, 2015. Collection method: clinical testing. Allele origin: germline.

Blueprint Genetics
Classification: Uncertain significance. Last evaluated: 2024-02-20. Review status: criteria provided, single submitter. Criteria: ACMG Guidelines, 2015. Collection method: clinical testing. Allele origin: germline.

Revvity Omics, Revvity
Classification: Uncertain significance for Joubert syndrome 3. Last evaluated: 2023-10-27. Review status: criteria provided, single submitter. Criteria: ACMG Guidelines, 2015. Collection method: clinical testing. Allele origin: germline.

Labcorp Genetics (formerly Invitae), Labcorp
Classification: Uncertain significance for Joubert syndrome. Last evaluated: 2022-08-16. Review status: criteria provided, single submitter. Criteria: Invitae Variant Classification Sherloc (09022015). Collection method: clinical testing. Allele origin: germline.
Comment: This sequence change replaces cysteine, which is neutral and slightly polar, with arginine, which is basic and polar, at codon 469 of the AHI1 protein (p.Cys469Arg). This variant is present in population databases (rs539194432, gnomAD 0.03%). This variant has not been reported in the literature in individuals affected with AHI1-related conditions. ClinVar contains an entry for this variant (Variation ID: 858493). Advanced modeling of protein sequence and biophysical properties (such as structural, functional, and spatial information, amino acid conservation, physicochemical variation, residue mobility, and thermodynamic stability) performed at Invitae indicates that this missense variant is not expected to disrupt AHI1 protein function. In summary, the available evidence is currently insufficient to determine the role of this variant in disease. Therefore, it has been classified as a Variant of Uncertain Significance.

NM_001134831.2(AHI1):c.1405T>C (p.Cys469Arg)

Gene: AHI1 (Abelson helper integration site 1; minus strand). Cytogenetic location: 6q23.3.
Variant type: single nucleotide variant.
Coding change: c.1405T>C on transcript NM_001134831.2 (MANE Select); coding-DNA position 1405, T replaced by C.
Protein change: p.Cys469Arg; replaces cysteine 469 with arginine.
Molecular consequence: missense variant.
Genome position (GRCh38, 1-based): chr6:135,453,376, A>G on the plus strand (T>C on the coding strand, the complement: AHI1 is on the minus strand). VCF-style: chr6-135453376-A-G. GRCh37 (hg19) VCF-style: chr6-135774514-A-G.
Other names: c.1405T>C, p.Cys469Arg (NM_001134830.2, NM_001134832.2, NM_001350503.2 and 2 more transcripts); short protein forms C469R.
Identifiers: ClinVar variation 858493 (VCV000858493.13), dbSNP rs539194432, ClinGen allele CA4012600.
Genomic context (GRCh38, chr6:135,453,376, plus strand): 5'-TGTTTAAAATGGATGAAAAACATACCTTAAGAAATGCCCAGGCAATTTTCCGAAAGCCAC[A>G]TTCTTGGTTTTGAACCTCAGAATTATTCTTAATTTCATCCACGCTTAAGAAATCAAGAAT-3'
Protein context (NP_001128303.1, residues 459-479): KNNSEVQNQE[Cys469Arg]GFRKIAWAFL